The following is an entry in ClinVar:

NM_198053.3(CD247):c.269G>A (p.Arg90His)

Gene: CD247 (CD247 molecule; minus strand). Cytogenetic location: 1q24.2.
Variant type: single nucleotide variant.
Coding change: c.269G>A on transcript NM_198053.3 (MANE Select); coding-DNA position 269, G replaced by A.
Protein change: p.Arg90His; replaces arginine 90 with histidine.
Molecular consequence: missense variant.
Genome position (GRCh38, 1-based): chr1:167,438,601, C>T on the plus strand (G>A on the coding strand, the complement: CD247 is on the minus strand). VCF-style: chr1-167438601-C-T. GRCh37 (hg19) VCF-style: chr1-167407838-C-T.
Other names: c.269G>A, p.Arg90His (NM_000734.4); c.362G>A, p.Arg121His (NM_001378515.1, NM_001378516.1); short protein forms R121H, R90H.
Identifiers: ClinVar variation 1468834 (VCV001468834.4), dbSNP rs1162990874, ClinGen allele CA343462614.

ClinVar aggregate classification (germline): Uncertain significance (1 of 4 stars; one submission).

Conditions:
Immunodeficiency 25. Also called: Immunodeficiency due to defect in cd3-zeta, somatic. Identifiers: MedGen C1857798, MONDO:0012426, OMIM 610163.

Allele frequency attached by ClinVar (database versions not stated): gnomAD 0.00001; gnomAD exomes 0.00001 and 0.00002; TOPMed 0.00002.
gnomAD v4.1: 22 of 1,613,996 alleles (0.0014%); highest among the groups gnomAD compares: Non-Finnish European, 0.0019%; no homozygotes.

Submission:

Labcorp Genetics (formerly Invitae), Labcorp
Classification: Uncertain significance for Immunodeficiency 25. Last evaluated: 2024-12-09. Review status: criteria provided, single submitter. Criteria: Invitae Variant Classification Sherloc (09022015). Collection method: clinical testing. Allele origin: germline.
Comment: This sequence change replaces arginine, which is basic and polar, with histidine, which is basic and polar, at codon 90 of the CD247 protein (p.Arg90His). This variant is present in population databases (no rsID available, gnomAD 0.003%). This variant has not been reported in the literature in individuals affected with CD247-related conditions. ClinVar contains an entry for this variant (Variation ID: 1468834). An algorithm developed to predict the effect of missense changes on protein structure and function (PolyPhen-2) suggests that this variant is likely to be disruptive. In summary, the available evidence is currently insufficient to determine the role of this variant in disease. Therefore, it has been classified as a Variant of Uncertain Significance.